The following is an entry in ClinVar:

NM_001377.3(DYNC2H1):c.6415AAT[1] (p.Asn2140del)

Gene: DYNC2H1 (dynein cytoplasmic 2 heavy chain 1; plus strand). Cytogenetic location: 11q22.3.
Variant type: Microsatellite.
Coding change: c.6415AAT[1] on transcript NM_001377.3 (MANE Select); one copy of the 3-base unit AAT starting at c.6415; the reference has two copies in a row; one copy, 3 bases deleted; also written c.6418_6420del.
Protein change: p.Asn2140del; deletes asparagine 2140.
Molecular consequence: inframe deletion.
Genome position (GRCh38, 1-based): chr11:103,181,827-103,181,829, AAT deleted; deleting any 3 consecutive bases within chr11:103,181,824-103,181,829 gives the same sequence; the position shown is the placement nearest the transcript's 3' end. VCF-style (leftmost placement, unchanged base first): chr11-103181823-AAAT-A. GRCh37 (hg19) VCF-style: chr11-103052552-AAAT-A.
Other names: c.6415AAT[1], p.Asn2140del (NM_001080463.2); c.6418_6420del (NM_001377.3); short protein forms N2140del.
Identifiers: ClinVar variation 3776281 (VCV003776281.1).

ClinVar aggregate classification (germline): Uncertain significance (1 of 4 stars; one submission).

Conditions:
Asphyxiating thoracic dystrophy 3. Also called: SHORT-RIB THORACIC DYSPLASIA 3 WITH OR WITHOUT POLYDACTYLY; POLYDACTYLY WITH NEONATAL CHONDRODYSTROPHY, TYPE I; SHORT-RIB THORACIC DYSPLASIA 3/6 WITH POLYDACTYLY, DIGENIC; Short rib polydactyly syndrome 2B; Saldino-Noonan Syndrome. Identifiers: Orphanet 474, Orphanet 93269, Orphanet 93270, Orphanet 93271, MedGen C0036069, MONDO:0013127, OMIM 613091.

Submission:

3billion
Classification: Uncertain significance for Asphyxiating thoracic dystrophy 3. Last evaluated: 2023-10-30. Review status: criteria provided, single submitter. Criteria: ACMG Guidelines, 2015. Collection method: clinical testing. Allele origin: germline. Affected: yes.
Comment: The variant is not observed in the gnomAD v2.1.1 dataset. Predicted Consequence/Location: Inframe deletion located in a nonrepeat region: predicted to change the length of the protein and disrupt normal protein function. Damaging effect on gene or gene product predicted by in silico programs is uncertain. Therefore, this variant is classified as VUS according to the recommendation of ACMG/AMP guideline.